The following is an entry in ClinVar:

NM_005609.4(PYGM):c.604C>T (p.His202Tyr)

Gene: PYGM (glycogen phosphorylase, muscle associated; minus strand). Cytogenetic location: 11q13.1.
Variant type: single nucleotide variant.
Coding change: c.604C>T on transcript NM_005609.4 (MANE Select); coding-DNA position 604, C replaced by T.
Protein change: p.His202Tyr; replaces histidine 202 with tyrosine.
Molecular consequence: missense variant.
Genome position (GRCh38, 1-based): chr11:64,757,835, G>A on the plus strand (C>T on the coding strand, the complement: PYGM is on the minus strand). VCF-style: chr11-64757835-G-A. GRCh37 (hg19) VCF-style: chr11-64525307-G-A.
Other names: c.340C>T, p.His114Tyr (NM_001164716.1); short protein forms H114Y, H202Y.
Identifiers: ClinVar variation 2631379 (VCV002631379.1), dbSNP rs774777447, ClinGen allele CA6080194.
Genomic context (GRCh38, chr11:64,757,835, plus strand): 5'-TCACCTGTGTGTCCACCCACTTGGCACCCTGGCTGGTGTGCTCCACATGGCCGTAGAAGT[G>A]CACAGGTAGCGTGAACTCGGGCCGGGCCTTCTCCCAGGGGTTGCCGTAGCGAAGCCAGTC-3'
Protein context (NP_005600.1, residues 192-212): KARPEFTLPV[His202Tyr]FYGHVEHTSQ

ClinVar aggregate classification (germline): Uncertain significance (1 of 4 stars; one submission).

Conditions:
PYGM-related disorder. Also called: PYGM-related condition.

Allele frequency attached by ClinVar (database versions not stated): TOPMed below 0.00001; ExAC 0.00001; gnomAD 0.00001; gnomAD exomes 0.00001.

Submission:

PreventionGenetics, part of Exact Sciences
Classification: Uncertain significance for PYGM-related condition. Last evaluated: 2023-08-08. Review status: criteria provided, single submitter. Criteria: ACMG Guidelines, 2015. Collection method: clinical testing. Allele origin: germline.
Comment: The PYGM c.604C>T variant is predicted to result in the amino acid substitution p.His202Tyr. To our knowledge, this variant has not been reported in the literature. This variant is reported in 0.00088% of alleles in individuals of European (Non-Finnish) descent in gnomAD. At this time, the clinical significance of this variant is uncertain due to the absence of conclusive functional and genetic evidence.